The following is an entry in ClinVar:

ClinVar aggregate classification (germline): Conflicting classifications of pathogenicity. Review status: criteria provided, conflicting classifications (1 of 4 stars). 9 submissions from 5 submitters: Uncertain significance (1); Benign (5); Likely benign (2). 1 of the submissions does not count toward it. Last evaluated 2025-10-14.

Conditions:
Congenital myasthenic syndrome 16. Identifiers: Orphanet 590, MedGen C3280112, MONDO:0013620, OMIM 614198.
SCN4A-related disorder. Also called: SCN4A-related disorders.
Paramyotonia congenita of Von Eulenburg. Also called: Paramyotonia Congenita; PARALYSIS PERIODICA PARAMYOTONICA; Eulenburg disease; Myotonia congenita intermittens; Von Eulenburg paramyotonia congenita. Identifiers: Orphanet 684, MedGen C0221055, MONDO:0008195, OMIM 168300. Disease mechanism: loss of function.
Hypokalemic periodic paralysis, type 2 (HOKPP2). Identifiers: Orphanet 681, MedGen C2750061, MONDO:0013234, OMIM 613345.
Hyperkalemic periodic paralysis. Also called: Familial hyperkalemic periodic paralysis; Gamstorp disease. Identifiers: Orphanet 682, MedGen C0238357, MONDO:0008224, OMIM 170500, HP:0007215.
Potassium-aggravated myotonia. Also called: Myotonia congenita, atypical, acetazolamide-responsive; MYOTONIA CONGENITA, ACETAZOLAMIDE-RESPONSIVE; MYOTONIA CONGENITA, ATYPICAL; SODIUM CHANNEL MUSCLE DISEASE. Identifiers: Orphanet 612, Orphanet 99734, Orphanet 99735, Orphanet 99736, MedGen C2931826, MONDO:0018959, OMIM 608390.

Allele frequency attached by ClinVar (database versions not stated): 1000 Genomes Project 0.00060; gnomAD exomes 0.00005 and 0.00009; gnomAD 0.00047 and 0.00051; ExAC 0.00015; ESP Exome Variant Server 0.00039; TOPMed 0.00053; 1000 Genomes Project 30x 0.00062.
gnomAD v4.1: 172 of 1,613,658 alleles (0.011%); highest among the groups gnomAD compares: African/African-American, 0.17%; 1 homozygote.

Submissions (9):

Labcorp Genetics (formerly Invitae), Labcorp
Classification: Benign for Hyperkalemic periodic paralysis. Last evaluated: 2025-10-14. Review status: criteria provided, single submitter. Criteria: Invitae Variant Classification Sherloc (09022015). Collection method: clinical testing. Allele origin: germline.

Blueprint Genetics
Classification: Likely benign. Last evaluated: 2024-02-29. Review status: criteria provided, single submitter. Criteria: ACMG Guidelines, 2015. Collection method: clinical testing. Allele origin: germline.

Illumina Laboratory Services, Illumina
Classification: Benign for Paramyotonia congenita of Von Eulenburg. Last evaluated: 2018-01-12. Review status: criteria provided, single submitter. Criteria: ICSL Variant Classification Criteria 13 December 2019. Collection method: clinical testing. Allele origin: germline.
Comment: This variant was observed in the ICSL laboratory as part of a predisposition screen in an ostensibly healthy population. It had not been previously curated by ICSL or reported in the Human Gene Mutation Database (HGMD: prior to June 1st, 2018), and was therefore a candidate for classification through an automated scoring system. Utilizing variant allele frequency, disease prevalence and penetrance estimates, and inheritance mode, an automated score was calculated to assess if this variant is too frequent to cause the disease. Based on the score and internal cut-off values, a variant classified as benign is not then subjected to further curation. The score for this variant resulted in a classification of benign for this disease.

Illumina Laboratory Services, Illumina
Classification: Benign for Hypokalemic periodic paralysis, type 2. Last evaluated: 2018-01-12. Review status: criteria provided, single submitter. Criteria: ICSL Variant Classification Criteria 13 December 2019. Collection method: clinical testing. Allele origin: germline.
Comment: the same text as in the submission from Illumina Laboratory Services, Illumina above.

Illumina Laboratory Services, Illumina
Classification: Benign for Potassium-aggravated myotonia. Last evaluated: 2018-01-12. Review status: criteria provided, single submitter. Criteria: ICSL Variant Classification Criteria 13 December 2019. Collection method: clinical testing. Allele origin: germline.
Comment: the same text as in the submission from Illumina Laboratory Services, Illumina above.

Illumina Laboratory Services, Illumina
Classification: Benign for Hyperkalemic periodic paralysis. Last evaluated: 2018-01-12. Review status: criteria provided, single submitter. Criteria: ICSL Variant Classification Criteria 13 December 2019. Collection method: clinical testing. Allele origin: germline.
Comment: the same text as in the submission from Illumina Laboratory Services, Illumina above.

Illumina Laboratory Services, Illumina
Classification: Uncertain significance for Congenital myasthenic syndrome 16. Last evaluated: 2018-01-12. Review status: criteria provided, single submitter. Criteria: ICSL Variant Classification Criteria 13 December 2019. Collection method: clinical testing. Allele origin: germline.

Genetic Services Laboratory, University of Chicago
Classification: Likely benign. Last evaluated: 2016-04-11. Review status: criteria provided, single submitter. Criteria: ACMG Guidelines, 2015. Collection method: clinical testing. Allele origin: germline. Affected: no.

PreventionGenetics, part of Exact Sciences
Classification: Likely benign for SCN4A-related condition. Last evaluated: 2019-09-17. Review status: no assertion criteria provided. Collection method: clinical testing. Allele origin: germline. Not counted in ClinVar's aggregate classification.
Comment: This variant is classified as likely benign based on ACMG/AMP sequence variant interpretation guidelines (Richards et al. 2015 PMID: 25741868, with internal and published modifications).

NM_000334.4(SCN4A):c.5274C>T (p.His1758=)

Genes: GH-LCR (growth hormone locus control region; plus strand), SCN4A (sodium voltage-gated channel alpha subunit 4; minus strand). Cytogenetic location: 17q23.3.
Variant type: single nucleotide variant.
Coding change: c.5274C>T on transcript NM_000334.4 (MANE Select); coding-DNA position 5274, C replaced by T.
Protein change: p.His1758=; no amino-acid change (histidine 1758 retained).
Molecular consequence: synonymous variant.
Genome position (GRCh38, 1-based): chr17:63,941,008, G>A on the plus strand (C>T on the coding strand, the complement: SCN4A is on the minus strand). VCF-style: chr17-63941008-G-A. GRCh37 (hg19) VCF-style: chr17-62018368-G-A.
Identifiers: ClinVar variation 324509 (VCV000324509.23), dbSNP rs113418988, ClinGen allele CA8708795.